The following is an entry in ClinVar:

NM_022437.3(ABCG8):c.1211+9C>G

Gene: ABCG8 (ATP binding cassette subfamily G member 8; plus strand). Cytogenetic location: 2p21.
Variant type: single nucleotide variant.
Coding change: c.1211+9C>G on transcript NM_022437.3 (MANE Select); 9 bases into the intron after coding-DNA position 1211, C replaced by G.
Molecular consequence: intron variant.
Genome position (GRCh38, 1-based): chr2:43,872,315, C>G. VCF-style: chr2-43872315-C-G. GRCh37 (hg19) VCF-style: chr2-44099454-C-G.
Other names: p.?; c.1211+9C>G (NM_022437.2); c.1208+9C>G (NM_001357321.2).
Identifiers: ClinVar variation 2167552 (VCV002167552.6), dbSNP rs761376730, ClinGen allele CA1637342.

ClinVar aggregate classification (germline): Likely benign. Review status: criteria provided, multiple submitters, no conflicts (2 of 4 stars). 3 submissions from 3 submitters: Likely benign (2). 1 of the submissions does not count toward it. Last evaluated 2025-01-28.

Conditions:
ABCG8-related disorder. Also called: ABCG8-related condition.

Allele frequency attached by ClinVar (database versions not stated): ExAC 0.00001; gnomAD 0.00001; TOPMed 0.00001.
gnomAD v4.1: 24 of 1,612,574 alleles (0.0015%); highest among the groups gnomAD compares: Middle Eastern, 0.033%; no homozygotes.

Submissions (3):

Mayo Clinic Laboratories, Mayo Clinic
Classification: Likely benign. Last evaluated: 2025-01-28. Review status: criteria provided, single submitter. Criteria: ACMG Guidelines, 2015. Collection method: clinical testing. Allele origin: germline. Observed: 2 variant alleles.
Comment: BP4, BP7

Labcorp Genetics (formerly Invitae), Labcorp
Classification: Likely benign. Last evaluated: 2024-04-15. Review status: criteria provided, single submitter. Criteria: Invitae Variant Classification Sherloc (09022015). Collection method: clinical testing. Allele origin: germline.

PreventionGenetics, part of Exact Sciences
Classification: Likely benign for ABCG8-related condition. Last evaluated: 2024-03-06. Review status: no assertion criteria provided. Collection method: clinical testing. Allele origin: germline. Not counted in ClinVar's aggregate classification.
Comment: This variant is classified as likely benign based on ACMG/AMP sequence variant interpretation guidelines (Richards et al. 2015 PMID: 25741868, with internal and published modifications).